The following is an entry in ClinVar:

ClinVar aggregate classification (germline): Pathogenic. Review status: reviewed by expert panel (3 of 4 stars). 6 submissions from 6 submitters: Pathogenic (1). 5 of the submissions do not count toward it. Last evaluated 2017-12-15.

Conditions:
Breast-ovarian cancer, familial, susceptibility to, 2 (BROVCA2). Also called: BRCA2 Hereditary Breast and Ovarian Cancer. Identifiers: Orphanet 145, MedGen C2675520, MONDO:0012933, OMIM 612555. Disease mechanism: loss of function.
Hereditary cancer-predisposing syndrome. Also called: Hereditary Cancer Syndrome; Hereditary neoplastic syndrome; Tumor predisposition; Neoplastic Syndromes, Hereditary. Identifiers: Orphanet 140162, MedGen C0027672, MeSH D009386, MONDO:0015356.
Hereditary breast ovarian cancer syndrome. Also called: Hereditary breast and ovarian cancer syndrome; BRCA1- and BRCA2-Associated Hereditary Breast and Ovarian Cancer; Hereditary breast and ovarian cancer syndrome (HBOC); Hereditary breast and/or ovarian cancer syndrome; Hereditary breast and ovarian cancer; Breast and ovarian cancer. Identifiers: Orphanet 145, MedGen C0677776, MeSH D061325, MONDO:0003582. Disease mechanism: loss of function.

Submissions (6):

Evidence-based Network for the Interpretation of Germline Mutant Alleles (ENIGMA)
Classification: Pathogenic for Breast-ovarian cancer, familial, susceptibility to, 2. Last evaluated: 2017-12-15. Review status: reviewed by expert panel. Criteria: ENIGMA BRCA1/2 Classification Criteria (2017-06-29). Collection method: curation. Allele origin: germline. Study: ENIGMA.
Comment: Variant allele predicted to encode a truncated non-functional protein.

Ambry Genetics
Classification: Pathogenic for Hereditary cancer-predisposing syndrome. Last evaluated: 2024-03-22. Review status: criteria provided, single submitter. Criteria: Ambry Variant Classification Scheme 2023. Collection method: clinical testing. Allele origin: germline. Not counted in ClinVar's aggregate classification.
Comment: The c.171delC pathogenic mutation, located in coding exon 2 of the BRCA2 gene, results from a deletion of one nucleotide at nucleotide position 171, causing a translational frameshift with a predicted alternate stop codon (p.Y57*). This variant was reported in multiple individuals with features consistent with BRCA2-related hereditary breast and ovarian cancer syndrome (van der Hout AH et al. Hum Mutat, 2006 Jul;27:654-66; Heramb C et al. Hered Cancer Clin Pract, 2018 Jan;16:3). This variant is considered to be rare based on population cohorts in the Genome Aggregation Database (gnomAD). In addition to the clinical data presented in the literature, this alteration is expected to result in loss of function by premature protein truncation or nonsense-mediated mRNA decay. As such, this alteration is interpreted as a disease-causing mutation.

Women's Health and Genetics/Laboratory Corporation of America, LabCorp
Classification: Pathogenic for Hereditary breast ovarian cancer syndrome. Last evaluated: 2023-12-12. Review status: criteria provided, single submitter. Criteria: LabCorp Variant Classification Summary - May 2015. Collection method: clinical testing. Allele origin: germline. Not counted in ClinVar's aggregate classification.
Comment: Variant summary: BRCA2 c.171delC (p.Tyr57X) results in a premature termination codon, predicted to cause a truncation of the encoded protein or absence of the protein due to nonsense mediated decay, which are commonly known mechanisms for disease. Variants downstream of this position have been classified as pathogenic by our laboratory. The variant was absent in 251356 control chromosomes. To our knowledge, no occurrence of c.171delC in individuals affected with Hereditary Breast And Ovarian Cancer Syndrome and no experimental evidence demonstrating its impact on protein function have been reported. Three submitters have cited clinical-significance assessments for this variant to ClinVar after 2014. All submitters classified the variant as pathogenic. Based on the evidence outlined above, the variant was classified as pathogenic.

Myriad Genetics, Inc.
Classification: Pathogenic for Breast-ovarian cancer, familial, susceptibility to, 2. Last evaluated: 2023-09-05. Review status: criteria provided, single submitter. Criteria: Myriad Autosomal Dominant, Autosomal Recessive and X-Linked Classification Criteria (2023). Collection method: clinical testing. Allele origin: unknown. Not counted in ClinVar's aggregate classification.
Comment: This variant is considered pathogenic. This variant creates a termination codon and is predicted to result in premature protein truncation.

Labcorp Genetics (formerly Invitae), Labcorp
Classification: Pathogenic for Hereditary breast ovarian cancer syndrome. Last evaluated: 2022-06-06. Review status: criteria provided, single submitter. Criteria: Invitae Variant Classification Sherloc (09022015). Collection method: clinical testing. Allele origin: germline. Not counted in ClinVar's aggregate classification.
Comment: This sequence change creates a premature translational stop signal (p.Tyr57*) in the BRCA2 gene. It is expected to result in an absent or disrupted protein product. Loss-of-function variants in BRCA2 are known to be pathogenic (PMID: 20104584). This variant is not present in population databases (gnomAD no frequency). This variant has not been reported in the literature in individuals affected with BRCA2-related conditions. ClinVar contains an entry for this variant (Variation ID: 440434). Algorithms developed to predict the effect of sequence changes on RNA splicing suggest that this variant may disrupt the consensus splice site. For these reasons, this variant has been classified as Pathogenic.

Department of Medical Genetics, Oslo University Hospital
Classification: Pathogenic for Breast-ovarian cancer, familial, susceptibility to, 2. Last evaluated: 2015-08-05. Review status: criteria provided, single submitter. Criteria: ACMG Guidelines, 2015. Collection method: clinical testing. Allele origin: germline. Affected: yes. Observed: 4 variant alleles. Not counted in ClinVar's aggregate classification.

Literature cited by the submitters: PubMed 16683254 (cited by Ambry Genetics); PubMed 29339979 (cited by Ambry Genetics); PubMed 20104584 (cited by Labcorp Genetics (formerly Invitae), Labcorp).

NM_000059.4(BRCA2):c.171del (p.Asn56_Tyr57insTer)

Gene: BRCA2 (BRCA2 DNA repair associated; plus strand). Cytogenetic location: 13q13.1.
Variant type: Deletion.
Coding change: c.171del on transcript NM_000059.4 (MANE Select); coding-DNA position 171, one base deleted (C; older notation c.171delC).
Protein change: p.Asn56_Tyr57insTer.
Molecular consequence: nonsense.
Genome position (GRCh38, 1-based): chr13:32,319,180, C deleted. VCF-style (leftmost placement, unchanged base first): chr13-32319179-AC-A. GRCh37 (hg19) VCF-style: chr13-32893316-AC-A.
Other names: c.171delC (NM_000059.3).
Identifiers: ClinVar variation 440434 (VCV000440434.12), dbSNP rs1555280367, ClinGen allele CA645509356.